The following is an entry in ClinVar:

NM_015570.4(AUTS2):c.1146dup (p.Ser383fs)

Gene: AUTS2 (activator of transcription and developmental regulator AUTS2; plus strand). Cytogenetic location: 7q11.22.
Variant type: Duplication.
Coding change: c.1146dup on transcript NM_015570.4 (MANE Select); coding-DNA position 1146, one base duplicated (C; older notation c.1146dupC).
Protein change: p.Ser383fs; shifts the reading frame from serine 383.
Molecular consequence: frameshift variant.
Genome position (GRCh38, 1-based): chr7:70,763,273, C duplicated; the last of 4 consecutive C bases (chr7:70,763,270-70,763,273); duplicating any one gives the same sequence. VCF-style (leftmost placement, unchanged base first): chr7-70763269-A-AC. GRCh37 (hg19) VCF-style: chr7-70228255-A-AC.
Other names: c.1146dup, p.Ser383fs (NM_001127231.3); short protein forms S383fs.
Identifiers: ClinVar variation 4849667 (VCV004849667.1).

ClinVar aggregate classification (germline): Likely pathogenic (1 of 4 stars; one submission).

Conditions:
Autism spectrum disorder due to AUTS2 deficiency (MRD26). Also called: INTELLECTUAL DEVELOPMENTAL DISORDER, AUTOSOMAL DOMINANT 26. Identifiers: Orphanet 352490, MedGen C4014435, MONDO:0014361, OMIM 615834.

Submission:

Diagnostics Services (NGS), CSIR - Centre For Cellular And Molecular Biology
Classification: Likely pathogenic for Autism spectrum disorder due to AUTS2 deficiency. Last evaluated: 2026-01-01. Review status: criteria provided, single submitter. Criteria: ACMG Guidelines, 2015. Collection method: clinical testing. Allele origin: germline. Affected: yes. Observed: 1 variant allele, 1 heterozygote.
Comment: The c.1146dup variant is not present in publicly available population databases like 1000 Genomes, EVS, gnomAD, Indian Exome Database or our internal database. This variant has neither been published in literature in individuals affected with AUTS2-related conditions nor reported to clinical databases like Human Genome Mutation Database (HGMD), ClinVar, or OMIM, in any affected individuals. In-silico pathogenicity prediction programs like MutationTaster2021, CADD, Franklin, Varsome, etc predicted this variant to be likely deleterious. This variant causes frameshift at the 383rd amino acid position of the wild-type transcript which creates a premature translational stop signal at the altered transcript that may either result in translation of a truncated protein or cause nonsense mediated decay of the mRNA.